The following is an entry in ClinVar:

ClinVar aggregate classification (germline): Likely pathogenic. Review status: criteria provided, single submitter (1 of 4 stars). 2 submissions from 2 submitters: Likely pathogenic (1). 1 of the submissions does not count toward it. Last evaluated 2026-08-06.

Conditions:
Charcot-Marie-Tooth disease X-linked dominant 1. Also called: X-linked Charcot-Marie-Tooth disease type 1; GJB1 Disorders: Charcot-Marie-Tooth Neuropathy (CMT1X) and Central Nervous System Phenotypes; HEREDITARY MOTOR AND SENSORY NEUROPATHY, X-LINKED; HMSN, X-LINKED; CHARCOT-MARIE-TOOTH NEUROPATHY, X-LINKED, 1; CHARCOT-MARIE-TOOTH PERONEAL MUSCULAR ATROPHY, X-LINKED. Identifiers: Orphanet 101075, MedGen C0393808, MONDO:0010549, OMIM 302800.

Submissions (2):

OLLIN Analises Genomicas, OLLIN
Classification: Likely pathogenic for Charcot-Marie-Tooth disease X-linked dominant 1. Last evaluated: 2026-08-06. Review status: criteria provided, single submitter. Criteria: ACMG Guidelines 2015 PMID 25741868. Collection method: clinical testing. Allele origin: germline. Inheritance: X-linked inheritance.
Comment: This missense variant, located in exon 2 (of 2), is absent from gnomAD but has been reported in ClinVar (accession VCV000097063.1) and in the scientific literature, segregating with the phenotype and in compound heterozygosity, in individuals with GJB1 related disorders (PMID: 427531, 23773993, 9633821). In silico analysis predicts that this variant has a deleterious effect. This variant is located in a region considered to be a mutational hotspot. Another pathogenic variant affecting the same amino acid residue has been reported (PMID: 9633821). According to the currently available evidence, this variant has been classified as likely pathogenic (PM1, PM2_P, PM3, PM5, PP1, PP3_M).

OMIM
Classification: Pathogenic for CHARCOT-MARIE-TOOTH DISEASE, X-LINKED DOMINANT, 1. Last evaluated: 2013-11-01. Review status: no assertion criteria provided. Collection method: literature only. Allele origin: germline. Not counted in ClinVar's aggregate classification.

Literature cited by the submitters: PubMed 427531 (cited by OLLIN Analises Genomicas, OLLIN and OMIM); PubMed 23773993 (cited by OLLIN Analises Genomicas, OLLIN and OMIM); PubMed 9633821 (cited by OLLIN Analises Genomicas, OLLIN).

NM_000166.6(GJB1):c.172C>T (p.Pro58Ser)

Gene: GJB1 (gap junction protein beta 1; plus strand). Cytogenetic location: Xq13.1.
Variant type: single nucleotide variant.
Coding change: c.172C>T on transcript NM_000166.6 (MANE Select); coding-DNA position 172, C replaced by T.
Protein change: p.Pro58Ser; replaces proline 58 with serine.
Molecular consequence: missense variant.
Genome position (GRCh38, 1-based): chrX:71,223,879, C>T. VCF-style: chrX-71223879-C-T. GRCh37 (hg19) VCF-style: chrX-70443729-C-T.
Other names: c.172C>T, p.Pro58Ser (NM_001097642.3); short protein forms P58S.
Identifiers: ClinVar variation 97063 (VCV000097063.2), dbSNP rs483352926, ClinGen allele CA267507.